The following is an entry in ClinVar:

NM_005359.6(SMAD4):c.516G>T (p.Leu172Phe)

Gene: SMAD4 (SMAD family member 4; plus strand). Cytogenetic location: 18q21.2.
Variant type: single nucleotide variant.
Coding change: c.516G>T on transcript NM_005359.6 (MANE Select); coding-DNA position 516, G replaced by T.
Protein change: p.Leu172Phe; replaces leucine 172 with phenylalanine.
Molecular consequence: missense variant.
Genome position (GRCh38, 1-based): chr18:51,054,842, G>T. VCF-style: chr18-51054842-G-T. GRCh37 (hg19) VCF-style: chr18-48581212-G-T.
Other names: short protein forms L172F.
Identifiers: ClinVar variation 1488987 (VCV001488987.8), dbSNP rs1392368498, ClinGen allele CA402460781.

ClinVar aggregate classification (germline): Uncertain significance (1 of 4 stars; one submission).

Conditions:
Juvenile polyposis syndrome (JPS). Identifiers: Orphanet 2929, MedGen C0345893, MONDO:0017380, OMIM 174900.

Allele frequency attached by ClinVar (database versions not stated): gnomAD exomes below 0.00001.
gnomAD v4.1: 2 of 1,614,024 alleles (0.00012%); highest among the groups gnomAD compares: Non-Finnish European, 0.00017%; no homozygotes.

Submission:

Labcorp Genetics (formerly Invitae), Labcorp
Classification: Uncertain significance for Juvenile polyposis syndrome. Last evaluated: 2023-08-30. Review status: criteria provided, single submitter. Criteria: Invitae Variant Classification Sherloc (09022015). Collection method: clinical testing. Allele origin: germline.
Comment: This sequence change replaces leucine, which is neutral and non-polar, with phenylalanine, which is neutral and non-polar, at codon 172 of the SMAD4 protein (p.Leu172Phe). This variant is not present in population databases (gnomAD no frequency). This variant has not been reported in the literature in individuals affected with SMAD4-related conditions. ClinVar contains an entry for this variant (Variation ID: 1488987). Advanced modeling of protein sequence and biophysical properties (such as structural, functional, and spatial information, amino acid conservation, physicochemical variation, residue mobility, and thermodynamic stability) has been performed at Invitae for this missense variant, however the output from this modeling did not meet the statistical confidence thresholds required to predict the impact of this variant on SMAD4 protein function. In summary, the available evidence is currently insufficient to determine the role of this variant in disease. Therefore, it has been classified as a Variant of Uncertain Significance.